The following is an entry in ClinVar:

ClinVar aggregate classification (germline): Uncertain significance (1 of 4 stars; one submission).

Conditions:
Fanconi anemia complementation group O. Also called: RAD51C-Related Fanconi Anemia. Identifiers: Orphanet 84, MedGen C3150653, MONDO:0013248, OMIM 613390.

Submission:

Labcorp Genetics (formerly Invitae), Labcorp
Classification: Uncertain significance for Fanconi anemia complementation group O. Last evaluated: 2025-07-08. Review status: criteria provided, single submitter. Criteria: Invitae Variant Classification Sherloc (09022015). Collection method: clinical testing. Allele origin: germline.
Comment: This sequence change affects codon 301 of the RAD51C mRNA. It is a 'silent' change, meaning that it does not change the encoded amino acid sequence of the RAD51C protein. It affects a nucleotide within the consensus splice site. This variant is not present in population databases (gnomAD no frequency). This variant has not been reported in the literature in individuals affected with RAD51C-related conditions. Studies have shown that this variant is associated with inconclusive levels of altered splicing (internal data). In summary, the available evidence is currently insufficient to determine the role of this variant in disease. Therefore, it has been classified as a Variant of Uncertain Significance.

NM_058216.3(RAD51C):c.903A>G (p.Leu301=)

Gene: RAD51C (RAD51 paralog C; plus strand). Cytogenetic location: 17q22.
Variant type: single nucleotide variant.
Coding change: c.903A>G on transcript NM_058216.3 (MANE Select); coding-DNA position 903, A replaced by G.
Protein change: p.Leu301=; no amino-acid change (leucine 301 retained).
Molecular consequence: synonymous variant. On other transcripts: non-coding transcript variant (1).
Genome position (GRCh38, 1-based): chr17:58,720,811, A>G. VCF-style: chr17-58720811-A-G. GRCh37 (hg19) VCF-style: chr17-56798172-A-G.
Identifiers: ClinVar variation 4722834 (VCV004722834.1).